The following is an entry in ClinVar:

NM_178822.5(IGSF10):c.3834_3835del (p.His1278fs)

Gene: IGSF10 (immunoglobulin superfamily member 10; minus strand). Cytogenetic location: 3q25.1.
Variant type: Microsatellite.
Coding change: c.3834_3835del on transcript NM_178822.5 (MANE Select); coding-DNA positions 3834 to 3835, 2 bases deleted (CA; older notation c.3834_3835delCA).
Protein change: p.His1278fs; shifts the reading frame from histidine 1278.
Molecular consequence: frameshift variant.
Genome position (GRCh38, 1-based): chr3:151,446,146-151,446,147, TG deleted on the plus strand (CA on the coding strand, the reverse complement: IGSF10 is on the minus strand); deleting any 2 consecutive bases within chr3:151,446,146-151,446,152 gives the same sequence; the c. name uses the placement nearest the transcript's 3' end. VCF-style (leftmost placement, unchanged base first): chr3-151446145-TTG-T. GRCh37 (hg19) VCF-style: chr3-151163933-TTG-T.
Other names: c.3834_3835del, p.His1278fs (NM_001385060.1, NM_001385061.1, NM_001385062.1 and 1 more transcripts); short protein forms H1278fs.
Identifiers: ClinVar variation 2637101 (VCV002637101.1), dbSNP rs763787788, ClinGen allele CA2670082.

ClinVar aggregate classification (germline): Uncertain significance (1 of 4 stars; one submission).

Conditions:
IGSF10-related disorder. Also called: IGSF10-related condition.

Submission:

PreventionGenetics, part of Exact Sciences
Classification: Uncertain significance for IGSF10-related condition. Last evaluated: 2022-10-21. Review status: criteria provided, single submitter. Criteria: ACMG Guidelines, 2015. Collection method: clinical testing. Allele origin: germline.
Comment: The IGSF10 c.3834_3835delCA variant is predicted to result in a frameshift and premature protein termination (p.His1278Glnfs*17). To our knowledge, this variant has not been reported in the literature. This variant is reported in 0.0031% of alleles in individuals of European (Non-Finnish) descent in gnomAD. Loss of function is not an established mechanism of IGSF10-related disease. Although we suspect that this variant may be pathogenic, at this time, the clinical significance of this variant is uncertain due to the absence of conclusive functional and genetic evidence.